The following is an entry in ClinVar:

ClinVar aggregate classification (germline): Uncertain significance (1 of 4 stars; one submission).

Conditions:
Cardiomyopathy (CMYO). Also called: Cardiomyopathies. Identifiers: Orphanet 167848, MedGen C0878544, MONDO:0004994, HP:0001638. Inheritance: Various modes of inheritance.

Submission:

All of Us Research Program, National Institutes of Health
Classification: Uncertain significance for Cardiomyopathy. Last evaluated: 2023-10-06. Review status: criteria provided, single submitter. Criteria: ACMG Guidelines, 2015. Collection method: clinical testing. Allele origin: germline. Inheritance: Autosomal dominant inheritance. Observed: 1 variant allele, 1 heterozygote.
Comment: This missense variant replaces histidine with glutamine at codon 1778 of the MYH7 protein. Computational prediction suggests that this variant may not impact protein structure and function (internally defined REVEL score threshold <= 0.5, PMID: 27666373). To our knowledge, functional studies have not been reported for this variant. This variant has not been reported in individuals affected with MYH7-related disorders in the literature. This variant has not been identified in the general population by the Genome Aggregation Database (gnomAD). The available evidence is insufficient to determine the role of this variant in disease conclusively. Therefore, this variant is classified as a Variant of Uncertain Significance.

This study involves interpretation of variants in research participants for the purpose of population health screening. Participant phenotype was not available at the time of variant classification. Additional details can be found in publication PMID: 35346344, PMCID: PMC8962531

NM_000257.4(MYH7):c.5334C>G (p.His1778Gln)

Gene: MYH7 (myosin heavy chain 7; minus strand). Cytogenetic location: 14q11.2.
Variant type: single nucleotide variant.
Coding change: c.5334C>G on transcript NM_000257.4 (MANE Select); coding-DNA position 5334, C replaced by G.
Protein change: p.His1778Gln; replaces histidine 1778 with glutamine.
Molecular consequence: missense variant.
Genome position (GRCh38, 1-based): chr14:23,415,220, G>C on the plus strand (C>G on the coding strand, the complement: MYH7 is on the minus strand). VCF-style: chr14-23415220-G-C. GRCh37 (hg19) VCF-style: chr14-23884429-G-C.
Other names: c.5334C>G, p.His1778Gln (NM_001407004.1); short protein forms H1778Q.
Identifiers: ClinVar variation 3073782 (VCV003073782.1), dbSNP rs1420442580, ClinGen allele CA389035792.